The following is an entry in ClinVar:

NM_001352754.2(ARMC9):c.259C>T (p.Arg87Ter)

Gene: ARMC9 (armadillo repeat containing 9; plus strand). Cytogenetic location: 2q37.1.
Variant type: single nucleotide variant.
Coding change: c.259C>T on transcript NM_001352754.2 (MANE Select); coding-DNA position 259, C replaced by T.
Protein change: p.Arg87Ter; replaces arginine 87 with a stop codon.
Molecular consequence: nonsense. On other transcripts: non-coding transcript variant (1).
Genome position (GRCh38, 1-based): chr2:231,214,912, C>T. VCF-style: chr2-231214912-C-T. GRCh37 (hg19) VCF-style: chr2-232079625-C-T.
Other names: c.259C>T, p.Arg87Ter (NM_001271466.4, NM_001291656.2, NM_001352755.2 and 5 more transcripts); short protein forms R87*.
Identifiers: ClinVar variation 427933 (VCV000427933.8), dbSNP rs372770167, ClinGen allele CA66816524.

ClinVar aggregate classification (germline): Pathogenic/Likely pathogenic. Review status: criteria provided, multiple submitters, no conflicts (2 of 4 stars). 5 submissions from 5 submitters: Pathogenic (1); Likely pathogenic (1). 3 of the submissions do not count toward it. Last evaluated 2024-07-26.

Conditions:
ARMC9-related disorder. Also called: ARMC9-related condition.
Joubert syndrome. Also called: Familial aplasia of the vermis; JOUBERT-BOLTSHAUSER SYNDROME. Identifiers: Orphanet 475, MedGen C5979921, MONDO:0018772.
Joubert syndrome 30. Identifiers: MedGen C4539937, MONDO:0033308, OMIM 617622.
ARMC9-related Joubert syndrome.

Allele frequency attached by ClinVar (database versions not stated): TOPMed 0.00007.

Submissions (5):

Labcorp Genetics (formerly Invitae), Labcorp
Classification: Pathogenic. Last evaluated: 2024-07-26. Review status: criteria provided, single submitter. Criteria: Invitae Variant Classification Sherloc (09022015). Collection method: clinical testing. Allele origin: germline.
Comment: This sequence change creates a premature translational stop signal (p.Arg87*) in the ARMC9 gene. It is expected to result in an absent or disrupted protein product. Loss-of-function variants in ARMC9 are known to be pathogenic (PMID: 28625504). This variant is present in population databases (no rsID available, gnomAD 0.004%). This premature translational stop signal has been observed in individual(s) with Joubert syndrome (PMID: 28625504). ClinVar contains an entry for this variant (Variation ID: 427933). For these reasons, this variant has been classified as Pathogenic.

Blueprint Genetics
Classification: Likely pathogenic for ARMC9-related disorders. Last evaluated: 2024-01-15. Review status: criteria provided, single submitter. Criteria: ACMG Guidelines, 2015. Collection method: clinical testing. Allele origin: germline. Affected: yes. Observed: 3 variant alleles.

OMIM
Classification: Pathogenic for JOUBERT SYNDROME 30. Last evaluated: 2017-08-16. Review status: no assertion criteria provided. Collection method: literature only. Allele origin: germline. Not counted in ClinVar's aggregate classification.

UW Hindbrain Malformation Research Program, University of Washington
Classification: Pathogenic for ARMC9-related Joubert syndrome. Last evaluated: 2017-05-01. Review status: no assertion criteria provided. Collection method: research. Allele origin: paternal. Affected: yes. Not counted in ClinVar's aggregate classification.

University of Washington Center for Mendelian Genomics, University of Washington
Classification: Likely pathogenic for Joubert Syndrome. Review status: no assertion criteria provided. Collection method: research. Allele origin: inherited. Affected: yes. Not counted in ClinVar's aggregate classification.

Literature cited by the submitters: PubMed 28625504 (cited by 3 submitters).